The following is an entry in ClinVar:

NM_006208.3(ENPP1):c.1997A>G (p.Gln666Arg)

Gene: ENPP1 (ectonucleotide pyrophosphatase/phosphodiesterase 1; plus strand). Cytogenetic location: 6q23.2.
Variant type: single nucleotide variant.
Coding change: c.1997A>G on transcript NM_006208.3 (MANE Select); coding-DNA position 1997, A replaced by G.
Protein change: p.Gln666Arg; replaces glutamine 666 with arginine.
Molecular consequence: missense variant.
Genome position (GRCh38, 1-based): chr6:131,879,931, A>G. VCF-style: chr6-131879931-A-G. GRCh37 (hg19) VCF-style: chr6-132201071-A-G.
Other names: short protein forms Q666R.
Identifiers: ClinVar variation 2808847 (VCV002808847.3), dbSNP rs139018686, ClinGen allele CA4002395.

ClinVar aggregate classification (germline): Uncertain significance (1 of 4 stars; one submission).

Allele frequency attached by ClinVar (database versions not stated): gnomAD 0.00001; TOPMed 0.00001; ExAC 0.00002; ESP Exome Variant Server 0.00008.
gnomAD v4.1: 2 of 1,613,394 alleles (0.00012%); highest among the groups gnomAD compares: African/African-American, 0.0027%; no homozygotes.

Submission:

Labcorp Genetics (formerly Invitae), Labcorp
Classification: Uncertain significance. Last evaluated: 2023-01-22. Review status: criteria provided, single submitter. Criteria: Invitae Variant Classification Sherloc (09022015). Collection method: clinical testing. Allele origin: germline.
Comment: In summary, the available evidence is currently insufficient to determine the role of this variant in disease. Therefore, it has been classified as a Variant of Uncertain Significance. Advanced modeling of protein sequence and biophysical properties (such as structural, functional, and spatial information, amino acid conservation, physicochemical variation, residue mobility, and thermodynamic stability) performed at Invitae indicates that this missense variant is not expected to disrupt ENPP1 protein function. This variant has not been reported in the literature in individuals affected with ENPP1-related conditions. This variant is present in population databases (rs139018686, gnomAD 0.008%). This sequence change replaces glutamine, which is neutral and polar, with arginine, which is basic and polar, at codon 666 of the ENPP1 protein (p.Gln666Arg).